The following is an entry in ClinVar:

NM_000368.5(TSC1):c.327A>G (p.Gln109=)

Gene: TSC1 (TSC complex subunit 1; minus strand). Cytogenetic location: 9q34.13.
Variant type: single nucleotide variant.
Coding change: c.327A>G on transcript NM_000368.5 (MANE Select); coding-DNA position 327, A replaced by G.
Protein change: p.Gln109=; no amino-acid change (glutamine 109 retained).
Molecular consequence: synonymous variant. On other transcripts: 5 prime UTR variant (18), non-coding transcript variant (5), intron variant (5).
Genome position (GRCh38, 1-based): chr9:132,925,623, T>C on the plus strand (A>G on the coding strand, the complement: TSC1 is on the minus strand). VCF-style: chr9-132925623-T-C. GRCh37 (hg19) VCF-style: chr9-135801010-T-C.
Other names: c.327A>G, p.Gln109= (NM_001162426.2, NM_001406592.1, NM_001406593.1 and 16 more transcripts); c.-37A>G (NM_001362177.2, NM_001406617.1, NM_001406618.1 and 5 more transcripts); c.-129A>G (NM_001406614.1, NM_001406616.1, NM_001406624.1); c.-162A>G (NM_001406615.1, NM_001406623.1); c.-551A>G (NM_001406626.1, NM_001406627.1, NM_001406628.1); c.-693A>G (NM_001406629.1); c.-767A>G (NM_001406630.1); c.210+1578A>G (NM_001406613.1, NM_001406612.1, NM_001406610.1 and 2 more transcripts).
Identifiers: ClinVar variation 2025768 (VCV002025768.6), dbSNP rs2132231769, ClinGen allele CA467594146.
Genomic context (GRCh38, chr9:132,925,623, plus strand): 5'-TTCAAATCCTTACAAACATCCTACCTTGAGACATTTTAGTAAAGAAGGCAAAAGAGGTGC[T>C]TGAGAGAGCTTATGCTTCCAAGATGGCTGCAGTCTTATGACATGACCCAGTAACGAGAGG-3'
Protein context (NP_000359.1, residues 99-119): LQPSWKHKLS[Gln109=]APLLPSLLKC

ClinVar aggregate classification (germline): Benign/Likely benign. Review status: criteria provided, multiple submitters, no conflicts (2 of 4 stars). 3 submissions from 3 submitters: Benign (1); Likely benign (2). Last evaluated 2025-10-02.

Conditions:
Hereditary cancer-predisposing syndrome. Also called: Neoplastic Syndromes, Hereditary; Hereditary Cancer Syndrome; Tumor predisposition; Hereditary neoplastic syndrome. Identifiers: Orphanet 140162, MedGen C0027672, MeSH D009386, MONDO:0015356.
Tuberous sclerosis 1 (TSC1). Identifiers: Orphanet 805, MedGen C1854465, MONDO:0008612, OMIM 191100.

Allele frequency attached by ClinVar (database versions not stated): gnomAD exomes below 0.00001.

Submissions (3):

Labcorp Genetics (formerly Invitae), Labcorp
Classification: Likely benign for Tuberous sclerosis 1. Last evaluated: 2025-10-02. Review status: criteria provided, single submitter. Criteria: Invitae Variant Classification Sherloc (09022015). Collection method: clinical testing. Allele origin: germline.

Myriad Genetics, Inc.
Classification: Benign for Tuberous sclerosis 1. Last evaluated: 2025-04-08. Review status: criteria provided, single submitter. Criteria: Myriad Autosomal Dominant, Autosomal Recessive and X-Linked Classification Criteria (2023). Collection method: clinical testing. Allele origin: unknown.
Comment: This variant is considered benign. This variant is a silent/synonymous amino acid change and it is not expected to impact splicing.

Ambry Genetics
Classification: Likely benign for Hereditary cancer-predisposing syndrome. Last evaluated: 2024-05-31. Review status: criteria provided, single submitter. Criteria: Ambry Variant Classification Scheme 2023. Collection method: clinical testing. Allele origin: germline.